The following is an entry in ClinVar:

NM_022132.5(MCCC2):c.281+5G>A

Gene: MCCC2 (methylcrotonyl-CoA carboxylase subunit 2; plus strand). Cytogenetic location: 5q13.2.
Variant type: single nucleotide variant.
Coding change: c.281+5G>A on transcript NM_022132.5 (MANE Select); 5 bases into the intron after coding-DNA position 281, G replaced by A.
Molecular consequence: intron variant.
Genome position (GRCh38, 1-based): chr5:71,596,369, G>A. VCF-style: chr5-71596369-G-A. GRCh37 (hg19) VCF-style: chr5-70892196-G-A.
Other names: c.281+5G>A (NM_001363147.1).
Identifiers: ClinVar variation 1487464 (VCV001487464.10), dbSNP rs944539388, ClinGen allele CA120021887.

ClinVar aggregate classification (germline): Pathogenic/Likely pathogenic. Review status: criteria provided, multiple submitters, no conflicts (2 of 4 stars). 5 submissions from 5 submitters: Pathogenic (1); Likely pathogenic (4). Last evaluated 2025-02-03.

Conditions:
3-methylcrotonyl-CoA carboxylase 2 deficiency. Also called: METHYLCROTONYLGLYCINURIA, TYPE II; 3 alpha methylcrotonyl-CoA carboxylase 2 deficiency; 3 alpha methylcrotonylglycinuria 2; MCC 2 deficiency; Methylcrotonylglycinuria type 2. Identifiers: Orphanet 6, MedGen C1859499, MONDO:0008862, OMIM 210210.

Allele frequency attached by ClinVar (database versions not stated): gnomAD 0.00001; gnomAD exomes 0.00001; TOPMed 0.00001.
gnomAD v4.1: 16 of 1,611,418 alleles (0.00099%); highest among the groups gnomAD compares: African/African-American, 0.0013%; no homozygotes.

Submissions (5):

Labcorp Genetics (formerly Invitae), Labcorp
Classification: Pathogenic for 3-methylcrotonyl-CoA carboxylase 2 deficiency. Last evaluated: 2025-02-03. Review status: criteria provided, single submitter. Criteria: Invitae Variant Classification Sherloc (09022015). Collection method: clinical testing. Allele origin: germline.
Comment: This sequence change falls in intron 3 of the MCCC2 gene. It does not directly change the encoded amino acid sequence of the MCCC2 protein. It affects a nucleotide within the consensus splice site. This variant is present in population databases (no rsID available, gnomAD 0.002%). This variant has been observed in individual(s) with 3-methylcrotonyl-CoA carboxylase deficiency (PMID: 16835865; internal data). In at least one individual the data is consistent with being in trans (on the opposite chromosome) from a pathogenic variant. ClinVar contains an entry for this variant (Variation ID: 1487464). Variants that disrupt the consensus splice site are a relatively common cause of aberrant splicing (PMID: 17576681, 9536098). Algorithms developed to predict the effect of sequence changes on RNA splicing suggest that this variant may disrupt the consensus splice site. For these reasons, this variant has been classified as Pathogenic.

Revvity Omics, Revvity
Classification: Likely pathogenic for 3-methylcrotonyl-CoA carboxylase 2 deficiency. Last evaluated: 2024-11-26. Review status: criteria provided, single submitter. Criteria: ACMG Guidelines, 2015. Collection method: clinical testing. Allele origin: germline.

Fulgent Genetics
Classification: Likely pathogenic for 3-methylcrotonyl-CoA carboxylase 2 deficiency. Last evaluated: 2024-02-10. Review status: criteria provided, single submitter. Criteria: ACMG Guidelines, 2015. Collection method: clinical testing. Allele origin: germline.

Baylor Genetics
Classification: Likely pathogenic for 3-methylcrotonyl-CoA carboxylase 2 deficiency. Last evaluated: 2023-09-13. Review status: criteria provided, single submitter. Criteria: ACMG Guidelines, 2015. Collection method: clinical testing. Allele origin: unknown.

GeneDx
Classification: Likely pathogenic. Last evaluated: 2022-10-21. Review status: criteria provided, single submitter. Criteria: GeneDx Variant Classification Process June 2021. Collection method: clinical testing. Allele origin: germline. Affected: yes.
Comment: Intronic +5 splice site variant in a gene for which loss of function is a known mechanism of disease, and splice predictors support a deleterious effect; Not observed at significant frequency in large population cohorts (gnomAD); This variant is associated with the following publications: (PMID: 16835865)

Literature cited by the submitters: PubMed 16835865 (cited by Labcorp Genetics (formerly Invitae), Labcorp); PubMed 17576681 (cited by Labcorp Genetics (formerly Invitae), Labcorp); PubMed 9536098 (cited by Labcorp Genetics (formerly Invitae), Labcorp).